The following is an entry in ClinVar:

ClinVar aggregate classification (germline): Uncertain significance (1 of 4 stars; one submission).

Conditions:
Saldino-Mainzer syndrome (SRTD9). Also called: CONORENAL SYNDROME; Renal dysplasia, retinal pigmentary dystrophy, cerebellar ataxia and skeletal dysplasia; SHORT-RIB THORACIC DYSPLASIA 9 WITHOUT POLYDACTYLY; short-rib thoracic dysplasia 9 with or without polydactyly. Identifiers: Orphanet 140969, MedGen C1849437, MONDO:0009964, OMIM 266920.

gnomAD v4.1: 2 of 1,613,548 alleles (0.00012%); highest among the groups gnomAD compares: East Asian, 0.0045%; no homozygotes.

Submission:

Labcorp Genetics (formerly Invitae), Labcorp
Classification: Uncertain significance for Saldino-Mainzer syndrome. Last evaluated: 2025-07-04. Review status: criteria provided, single submitter. Criteria: Invitae Variant Classification Sherloc (09022015). Collection method: clinical testing. Allele origin: germline.
Comment: This sequence change replaces asparagine, which is neutral and polar, with serine, which is neutral and polar, at codon 380 of the IFT140 protein (p.Asn380Ser). This variant is present in population databases (rs768190754, gnomAD 0.02%). This variant has not been reported in the literature in individuals affected with IFT140-related conditions. Invitae Evidence Modeling of protein sequence and biophysical properties (such as structural, functional, and spatial information, amino acid conservation, physicochemical variation, residue mobility, and thermodynamic stability) indicates that this missense variant is not expected to disrupt IFT140 protein function with a negative predictive value of 95%. In summary, the available evidence is currently insufficient to determine the role of this variant in disease. Therefore, it has been classified as a Variant of Uncertain Significance.

NM_014714.4(IFT140):c.1139A>G (p.Asn380Ser)

Genes: IFT140 (intraflagellar transport 140; minus strand), LOC105371046 (uncharacterized LOC105371046; plus strand). Cytogenetic location: 16p13.3.
Variant type: single nucleotide variant.
Coding change: c.1139A>G on transcript NM_014714.4 (MANE Select); coding-DNA position 1139, A replaced by G.
Protein change: p.Asn380Ser; replaces asparagine 380 with serine.
Molecular consequence: missense variant.
Genome position (GRCh38, 1-based): chr16:1,586,146, T>C on the plus strand (A>G on the coding strand, the complement: IFT140 is on the minus strand). VCF-style: chr16-1586146-T-C. GRCh37 (hg19) VCF-style: chr16-1636147-T-C.
Other names: short protein forms N380S.
Identifiers: ClinVar variation 4807521 (VCV004807521.1).